The following is an entry in ClinVar:

NC_000023.10:g.(?_153132791)_(153141311_?)del

Gene: L1CAM (L1 cell adhesion molecule; minus strand). Cytogenetic location: Xq28.
Variant type: Deletion.
Identifiers: ClinVar variation 528038 (VCV000528038.5).

ClinVar aggregate classification (germline): Pathogenic (1 of 4 stars; one submission).

Conditions:
Spastic paraplegia. Identifiers: MedGen C0037772, HP:0001258.

Submission:

Labcorp Genetics (formerly Invitae), Labcorp
Classification: Pathogenic for Spastic paraplegia. Last evaluated: 2017-08-26. Review status: criteria provided, single submitter. Criteria: Invitae Variant Classification Sherloc (09022015). Collection method: clinical testing. Allele origin: germline.
Comment: This variant is a gross deletion of the genomic region encompassing exons 1-16 of the L1CAM gene, which includes the initiator codon. The 5' end of this event is unknown as it extends beyond the assayed region for this gene and therefore may encompass additional genes. The 3' boundary is likely confined to intron 16 of the L1CAM gene. This is expected to result in an absent or disrupted protein product. For these reasons, this variant has been classified as Pathogenic. Loss-of-function variants in L1CAM are known to be pathogenic (PMID: 19846429). This variant has not been reported in the literature in individuals with L1CAM-related disease.

Literature cited by the submitters: PubMed 19846429.